The following is an entry in ClinVar:

NM_000562.3(C8A):c.1694C>T (p.Pro565Leu)

Gene: C8A (complement C8 alpha chain; plus strand). Cytogenetic location: 1p32.2.
Variant type: single nucleotide variant.
Coding change: c.1694C>T on transcript NM_000562.3 (MANE Select); coding-DNA position 1694, C replaced by T.
Protein change: p.Pro565Leu; replaces proline 565 with leucine.
Molecular consequence: missense variant.
Genome position (GRCh38, 1-based): chr1:56,917,655, C>T. VCF-style: chr1-56917655-C-T. GRCh37 (hg19) VCF-style: chr1-57383328-C-T.
Other names: short protein forms P565L.
Identifiers: ClinVar variation 1362957 (VCV001362957.8), dbSNP rs776381385, ClinGen allele CA875475.

ClinVar aggregate classification (germline): Uncertain significance (1 of 4 stars; one submission).

Allele frequency attached by ClinVar (database versions not stated): gnomAD exomes below 0.00001; ExAC 0.00001.

Submission:

Labcorp Genetics (formerly Invitae), Labcorp
Classification: Uncertain significance. Last evaluated: 2021-06-22. Review status: criteria provided, single submitter. Criteria: Invitae Variant Classification Sherloc (09022015). Collection method: clinical testing. Allele origin: germline.
Comment: In summary, the available evidence is currently insufficient to determine the role of this variant in disease. Therefore, it has been classified as a Variant of Uncertain Significance. Algorithms developed to predict the effect of missense changes on protein structure and function are either unavailable or do not agree on the potential impact of this missense change (SIFT: "Deleterious"; PolyPhen-2: "Probably Damaging"; Align-GVGD: "Class C0"). This variant has not been reported in the literature in individuals with C8A-related conditions. This variant is present in population databases (rs776381385, ExAC 0.002%). This sequence change replaces proline with leucine at codon 565 of the C8A protein (p.Pro565Leu). The proline residue is highly conserved and there is a moderate physicochemical difference between proline and leucine.